The following is an entry in ClinVar:

ClinVar aggregate classification (germline): Likely benign (1 of 4 stars; one submission).

Allele frequency attached by ClinVar (database versions not stated): gnomAD 0.00001; TOPMed 0.00004.

Submission:

Laboratory for Molecular Medicine, Mass General Brigham Personalized Medicine
Classification: Likely benign. Last evaluated: 2016-01-21. Review status: criteria provided, single submitter. Criteria: LMM Criteria. Collection method: clinical testing. Allele origin: germline. Observed: 1 variant allele.
Comment: p.Ser1798Leu in exon 13 of TRIOBP: This variant is not expected to have clinical significance due to a lack of conservation across species, including mammals. O f note, over 10 mammals have a leucine (Leu) at this position.

NM_001039141.3(TRIOBP):c.5393C>T (p.Ser1798Leu)

Genes: TRIOBP (TRIO and F-actin binding protein; plus strand), LOC126863145 (CDK7 strongly-dependent group 2 enhancer GRCh37_chr22:38150829-38152028; plus strand). Cytogenetic location: 22q13.1.
Variant type: single nucleotide variant.
Coding change: c.5393C>T on transcript NM_001039141.3 (MANE Select); coding-DNA position 5393, C replaced by T.
Protein change: p.Ser1798Leu; replaces serine 1798 with leucine.
Molecular consequence: missense variant.
Genome position (GRCh38, 1-based): chr22:37,754,890, C>T. VCF-style: chr22-37754890-C-T. GRCh37 (hg19) VCF-style: chr22-38150897-C-T.
Other names: c.254C>T, p.Ser85Leu (NM_007032.5, NM_138632.2); short protein forms S1798L, S85L.
Identifiers: ClinVar variation 228036 (VCV000228036.5), dbSNP rs876657595, ClinGen allele CA10577147.